The following is an entry in ClinVar:

ClinVar aggregate classification (germline): Uncertain significance (1 of 4 stars; one submission).

Conditions:
Inborn genetic diseases. Identifiers: MedGen C0950123, MeSH D030342.

Submission:

Ambry Genetics
Classification: Uncertain significance for Inborn genetic diseases. Last evaluated: 2026-01-16. Review status: criteria provided, single submitter. Criteria: Ambry Variant Classification Scheme 2023. Collection method: clinical testing. Allele origin: germline.
Comment: The p.A109T variant (also known as c.325G>A), located in coding exon 2 of the GATA2 gene, results from a G to A substitution at nucleotide position 325. The alanine at codon 109 is replaced by threonine, an amino acid with similar properties. This amino acid position is conserved. In addition, the in silico prediction for this alteration is inconclusive. Based on the available evidence, the clinical significance of this variant remains unclear.

NM_032638.5(GATA2):c.325G>A (p.Ala109Thr)

Gene: GATA2 (GATA binding protein 2; minus strand). Cytogenetic location: 3q21.3.
Variant type: single nucleotide variant.
Coding change: c.325G>A on transcript NM_032638.5 (MANE Select); coding-DNA position 325, G replaced by A.
Protein change: p.Ala109Thr; replaces alanine 109 with threonine.
Molecular consequence: missense variant.
Genome position (GRCh38, 1-based): chr3:128,486,273, C>T on the plus strand (G>A on the coding strand, the complement: GATA2 is on the minus strand). VCF-style: chr3-128486273-C-T. GRCh37 (hg19) VCF-style: chr3-128205116-C-T.
Other names: c.325G>A, p.Ala109Thr (NM_001145661.2, NM_001145662.1); short protein forms A109T.
Identifiers: ClinVar variation 4824105 (VCV004824105.1).